The following is an entry in ClinVar:

NM_000057.4(BLM):c.2326C>G (p.Leu776Val)

Gene: BLM (BLM RecQ like helicase; plus strand). Cytogenetic location: 15q26.1.
Variant type: single nucleotide variant.
Coding change: c.2326C>G on transcript NM_000057.4 (MANE Select); coding-DNA position 2326, C replaced by G.
Protein change: p.Leu776Val; replaces leucine 776 with valine.
Molecular consequence: missense variant.
Genome position (GRCh38, 1-based): chr15:90,769,151, C>G. VCF-style: chr15-90769151-C-G. GRCh37 (hg19) VCF-style: chr15-91312381-C-G.
Other names: c.2326C>G, p.Leu776Val (NM_001287246.2, NM_001287247.2); c.1201C>G, p.Leu401Val (NM_001287248.2); short protein forms L401V, L776V.
Identifiers: ClinVar variation 1319588 (VCV001319588.6), dbSNP rs1483824560, ClinGen allele CA393845063.

ClinVar aggregate classification (germline): Uncertain significance. Review status: criteria provided, multiple submitters, no conflicts (2 of 4 stars). 2 submissions from 2 submitters: Uncertain significance (2). Last evaluated 2023-10-03.

Conditions:
Bloom syndrome (BLM). Also called: Bloom-Torre-Machacek syndrome. Identifiers: Orphanet 125, MedGen C0005859, MONDO:0008876, OMIM 210900.

Submissions (2):

Labcorp Genetics (formerly Invitae), Labcorp
Classification: Uncertain significance for Bloom syndrome. Last evaluated: 2023-10-03. Review status: criteria provided, single submitter. Criteria: Invitae Variant Classification Sherloc (09022015). Collection method: clinical testing. Allele origin: germline.
Comment: This sequence change replaces leucine, which is neutral and non-polar, with valine, which is neutral and non-polar, at codon 776 of the BLM protein (p.Leu776Val). This variant is not present in population databases (gnomAD no frequency). This variant has not been reported in the literature in individuals affected with BLM-related conditions. ClinVar contains an entry for this variant (Variation ID: 1319588). Advanced modeling of protein sequence and biophysical properties (such as structural, functional, and spatial information, amino acid conservation, physicochemical variation, residue mobility, and thermodynamic stability) performed at Invitae indicates that this missense variant is not expected to disrupt BLM protein function. In summary, the available evidence is currently insufficient to determine the role of this variant in disease. Therefore, it has been classified as a Variant of Uncertain Significance.

Institute for Clinical Genetics, University Hospital TU Dresden, University Hospital TU Dresden
Classification: Uncertain significance. Last evaluated: 2021-11-03. Review status: criteria provided, single submitter. Criteria: ACMG Guidelines, 2015. Collection method: clinical testing. Allele origin: germline.